The following is an entry in ClinVar:

ClinVar aggregate classification (germline): Uncertain significance (1 of 4 stars; one submission).

Conditions:
Cardiovascular phenotype. Identifiers: MedGen CN230736.

gnomAD v4.1: 2 of 1,613,796 alleles (0.00012%); highest among the groups gnomAD compares: Non-Finnish European, 0.00017%; no homozygotes.

Submission:

Ambry Genetics
Classification: Uncertain significance for Cardiovascular phenotype. Last evaluated: 2026-08-24. Review status: criteria provided, single submitter. Criteria: Ambry Variant Classification Scheme 2023. Collection method: clinical testing. Allele origin: germline.
Comment: The p.N1109S variant (also known as c.3326A>G), located in coding exon 20 of the SOS2 gene, results from an A to G substitution at nucleotide position 3326. The asparagine at codon 1109 is replaced by serine, an amino acid with highly similar properties. This amino acid position is conserved. In addition, this alteration is predicted to be tolerated by in silico analysis. Based on the available evidence, the clinical significance of this variant remains unclear.

NM_006939.4(SOS2):c.3326A>G (p.Asn1109Ser)

Gene: SOS2 (SOS Ras/Rho guanine nucleotide exchange factor 2; minus strand). Cytogenetic location: 14q21.3.
Variant type: single nucleotide variant.
Coding change: c.3326A>G on transcript NM_006939.4 (MANE Select); coding-DNA position 3326, A replaced by G.
Protein change: p.Asn1109Ser; replaces asparagine 1109 with serine.
Molecular consequence: missense variant.
Genome position (GRCh38, 1-based): chr14:50,130,512, T>C on the plus strand (A>G on the coding strand, the complement: SOS2 is on the minus strand). VCF-style: chr14-50130512-T-C. GRCh37 (hg19) VCF-style: chr14-50597230-T-C.
Other names: c.3227A>G, p.Asn1076Ser (NM_001411020.1); short protein forms N1109S, N1076S.
Identifiers: ClinVar variation 5030035 (VCV005030035.1).